The following is an entry in ClinVar:

NM_001267550.2(TTN):c.100886G>A (p.Trp33629Ter)

Genes: TTN-AS1 (TTN antisense RNA 1; plus strand), TTN (titin; minus strand). Cytogenetic location: 2q31.2.
Variant type: single nucleotide variant.
Coding change: c.100886G>A on transcript NM_001267550.2 (MANE Select); coding-DNA position 100886, G replaced by A.
Protein change: p.Trp33629Ter; replaces tryptophan 33629 with a stop codon.
Molecular consequence: nonsense.
Genome position (GRCh38, 1-based): chr2:178,535,729, C>T on the plus strand (G>A on the coding strand, the complement: TTN is on the minus strand). VCF-style: chr2-178535729-C-T. GRCh37 (hg19) VCF-style: chr2-179400456-C-T.
Other names: c.95963G>A, p.Trp31988Ter (NM_001256850.1); c.73691G>A, p.Trp24564Ter (NM_003319.4); c.93182G>A, p.Trp31061Ter (NM_133378.4); c.74066G>A, p.Trp24689Ter (NM_133432.3); c.74267G>A, p.Trp24756Ter (NM_133437.4); c.100886G>A (NM_001267550.1); short protein forms W31988*, W33629*, W24564*, W31061*, W24689*, W24756*.
Identifiers: ClinVar variation 488972 (VCV000488972.25), dbSNP rs1260821931, ClinGen allele CA349422586.

ClinVar aggregate classification (germline): Pathogenic/Likely pathogenic. Review status: criteria provided, multiple submitters, no conflicts (2 of 4 stars). 6 submissions from 6 submitters: Pathogenic (2); Likely pathogenic (4). Last evaluated 2026-09-29.

Conditions:
Dilated cardiomyopathy 1G (CMD1G). Identifiers: Orphanet 154, MedGen C1858763, MONDO:0011400, OMIM 604145.
Autosomal recessive limb-girdle muscular dystrophy type 2J (LGMDR10). Also called: Limb-girdle muscular dystrophy, type 2J; MUSCULAR DYSTROPHY, LIMB-GIRDLE, AUTOSOMAL RECESSIVE 10. Identifiers: Orphanet 140922, MedGen C1837342, MONDO:0012127, OMIM 608807.
Early-onset myopathy with fatal cardiomyopathy (CMYO5). Also called: Salih Myopathy; CONGENITAL MYOPATHY 5 WITH CARDIOMYOPATHY. Identifiers: Orphanet 289377, MedGen C2673677, MONDO:0012714, OMIM 611705. Disease mechanism: loss of function.
Myopathy, myofibrillar, 9, with early respiratory failure (MFM9). Also called: Hereditary myopathy with early respiratory failure; EDSTROM MYOPATHY; Myopathy, distal, with early respiratory failure, autosomal dominant; MYOPATHY, PROXIMAL, WITH EARLY RESPIRATORY MUSCLE INVOLVEMENT. Identifiers: Orphanet 178464, Orphanet 34521, MedGen C1863599, MONDO:0011362, OMIM 603689.
Hypertrophic cardiomyopathy 9. Also called: Familial hypertrophic cardiomyopathy 9. Identifiers: MedGen C1861065, MONDO:0013412, OMIM 613765.
Tibial muscular dystrophy (TMD). Also called: UDD MYOPATHY; Tibial muscular dystrophy, tardive; Udd Distal Myopathy – Tibial Muscular Dystrophy. Identifiers: Orphanet 609, MedGen C1838244, MONDO:0010870, OMIM 600334.
TTN-related disorder. Also called: TTN-related disorders; TTN-related condition; TTN-related disease.
Cardiovascular phenotype. Identifiers: MedGen CN230736.

Allele frequency attached by ClinVar (database versions not stated): gnomAD 0.00001; TOPMed 0.00001; gnomAD exomes below 0.00001.
gnomAD v4.1: 3 of 1,613,566 alleles (0.00019%); highest among the groups gnomAD compares: Non-Finnish European, 0.00025%; no homozygotes.

Submissions (6):

GeneDx
Classification: Pathogenic. Last evaluated: 2026-09-29. Review status: criteria provided, single submitter. Criteria: GeneDx Variant Classification Process June 2021. Collection method: clinical testing. Allele origin: germline.
Comment: Nonsense variant predicted to result in protein truncation or nonsense mediated decay in a gene for which loss of function is a known mechanism of disease; Located in the M-band, a region of TTN for which truncating variants are significantly associated with autosomal recessive skeletal myopathies and also with autosomal dominant cardiomyopathy (PMID: 17444505, 32778822, 36637017); Not observed at significant frequency in large population cohorts (gnomAD); This variant is associated with the following publications: (PMID: 35177841, 17444505, 32778822, 36637017, 36264615)

Labcorp Genetics (formerly Invitae), Labcorp
Classification: Likely pathogenic for Dilated cardiomyopathy 1G; Autosomal recessive limb-girdle muscular dystrophy type 2J. Last evaluated: 2025-12-10. Review status: criteria provided, single submitter. Criteria: Invitae Variant Classification Sherloc (09022015). Collection method: clinical testing. Allele origin: germline.
Comment: This sequence change creates a premature translational stop signal (p.Trp33629*) in the TTN gene. While this is not anticipated to result in nonsense mediated decay, it is expected to create a truncated TTN protein. This variant is not present in population databases (gnomAD no frequency). This premature translational stop signal has been observed in individual(s) with dilated cardiomyopathy (PMID: 36264615; internal data). ClinVar contains an entry for this variant (Variation ID: 488972). This variant is located in the M band of TTN (PMID: 25589632). Truncating variants in this region have been previously reported in individuals affected with autosomal dominant or autosomal recessive myopathy and muscular dystrophy (PMID: 18948003, 23975875, 24395473). Truncating variants in this region have also been identified in individuals affected with autosomal dominant dilated cardiomyopathy and/or cardio-related conditions (PMID: 27869827, 32964742, internal data). In summary, the currently available evidence indicates that the variant is pathogenic, but additional data are needed to prove that conclusively. Therefore, this variant has been classified as Likely Pathogenic.

Ambry Genetics
Classification: Likely pathogenic for Cardiovascular phenotype. Last evaluated: 2025-05-27. Review status: criteria provided, single submitter. Criteria: Ambry Variant Classification Scheme 2023. Collection method: clinical testing. Allele origin: germline.
Comment: The p.W24564* variant (also known as c.73691G>A), located in coding exon 185 of the TTN gene, results from a G to A substitution at nucleotide position 73691. This changes the amino acid from a tryptophan to a stop codon within coding exon 185. This exon is located in the M-band region of the N2-B isoform of the titin protein and is constitutively expressed in TTN transcripts (percent spliced in or PSI 100%). This variant is considered to be rare based on population cohorts in the Genome Aggregation Database (gnomAD). This variant was reported in individual(s) with features consistent with dilated cardiomyopathy (Ambry internal data). This variant is expected to result in loss of function by premature protein truncation or nonsense-mediated mRNA decay. While truncating variants in TTN are present in 1-3% of the general population, truncating variants in the M-band have been reported in association with autosomal recessive titinopathies, primarily presenting with skeletal myopathy phenotypes (Ceyhan-Birsoy O et al. Neurology. 2013 Oct 1;81(14):1205-14; De Cid R et al. Neurology. 2015;85(24):2126-35). Truncating variants in coding exon 185 of the M-band of the N2-B isoform have also been specifically associated with autosomal dominant dilated cardiomyopathy (Vatta M et al. Circ GenomPrecis Med. 2025 Feb:e004982). More generally, TTN truncating variants encoded in constitutive exons (PSI >90%) have been found to be significantly associated with dilated cardiomyopathy (DCM) regardless of their position, although truncating variants in the A-band are the most common cause of DCM (Herman DS et al. N. Engl. J. Med., 2012 Feb;366:619-28; Roberts AM et al. Sci Transl Med, 2015 Jan;7:270ra6; Schafer S et al. Nat. Genet., 2017 01;49:46-53; Akhtar MM et al. Circ Heart Fail, 2020 Oct;13:e006832; Massier M et al. Clin Genet, 2025 Jan). Based on the majority of available evidence to date, this variant is likely to be pathogenic.

Revvity Omics, Revvity
Classification: Likely pathogenic. Last evaluated: 2022-09-25. Review status: criteria provided, single submitter. Criteria: ACMG Guidelines, 2015. Collection method: clinical testing. Allele origin: germline.

Fulgent Genetics
Classification: Likely pathogenic for Tibial muscular dystrophy; Myopathy, myofibrillar, 9, with early respiratory failure; Dilated cardiomyopathy 1G; Autosomal recessive limb-girdle muscular dystrophy type 2J; Early-onset myopathy with fatal cardiomyopathy; Hypertrophic cardiomyopathy 9. Last evaluated: 2021-12-30. Review status: criteria provided, single submitter. Criteria: ACMG Guidelines, 2015. Collection method: clinical testing. Allele origin: unknown.

Blueprint Genetics
Classification: Pathogenic for TTN-related disorders. Last evaluated: 2020-10-08. Review status: criteria provided, single submitter. Criteria: ACMG Guidelines, 2015. Collection method: clinical testing. Allele origin: germline. Affected: yes. Observed: 1 variant allele.

Literature cited by the submitters: PubMed 36264615 (cited by Labcorp Genetics (formerly Invitae), Labcorp); PubMed 25589632 (cited by Labcorp Genetics (formerly Invitae), Labcorp); PubMed 18948003 (cited by Labcorp Genetics (formerly Invitae), Labcorp); PubMed 23975875 (cited by Labcorp Genetics (formerly Invitae), Labcorp); PubMed 24395473 (cited by Labcorp Genetics (formerly Invitae), Labcorp); PubMed 27869827 (cited by Labcorp Genetics (formerly Invitae), Labcorp); PubMed 32964742 (cited by Labcorp Genetics (formerly Invitae), Labcorp).